The following is an entry in ClinVar:

NM_004370.6(COL12A1):c.1263G>C (p.Lys421Asn)

Gene: COL12A1 (collagen type XII alpha 1 chain; minus strand). Cytogenetic location: 6q13.
Variant type: single nucleotide variant.
Coding change: c.1263G>C on transcript NM_004370.6 (MANE Select); coding-DNA position 1263, G replaced by C.
Protein change: p.Lys421Asn; replaces lysine 421 with asparagine.
Molecular consequence: missense variant. On other transcripts: intron variant (1).
Genome position (GRCh38, 1-based): chr6:75,183,879, C>G on the plus strand (G>C on the coding strand, the complement: COL12A1 is on the minus strand). VCF-style: chr6-75183879-C-G. GRCh37 (hg19) VCF-style: chr6-75893595-C-G.
Other names: c.73+18841G>C (NM_080645.3); c.1263G>C (NM_004370.5); short protein forms K421N.
Identifiers: ClinVar variation 1403369 (VCV001403369.11), dbSNP rs2149466995, ClinGen allele CA364772366.

ClinVar aggregate classification (germline): Uncertain significance. Review status: criteria provided, multiple submitters, no conflicts (2 of 4 stars). 2 submissions from 2 submitters: Uncertain significance (2). Last evaluated 2025-12-08.

Conditions:
Inborn genetic diseases. Identifiers: MedGen C0950123, MeSH D030342.
Bethlem myopathy 2 (BTHLM2). Identifiers: Orphanet 536516, Orphanet 610, MedGen C4225313, MONDO:0034022, OMIM 616471.
Ullrich congenital muscular dystrophy 2 (UCMD2). Identifiers: Orphanet 75840, MedGen C4225314, MONDO:0014654, OMIM 616470.

Submissions (2):

Ambry Genetics
Classification: Uncertain significance for Inborn genetic diseases. Last evaluated: 2025-12-08. Review status: criteria provided, single submitter. Criteria: Ambry Variant Classification Scheme 2023. Collection method: clinical testing. Allele origin: germline.

Labcorp Genetics (formerly Invitae), Labcorp
Classification: Uncertain significance for Bethlem myopathy 2; Ullrich congenital muscular dystrophy 2. Last evaluated: 2022-08-16. Review status: criteria provided, single submitter. Criteria: Invitae Variant Classification Sherloc (09022015). Collection method: clinical testing. Allele origin: germline.
Comment: In summary, the available evidence is currently insufficient to determine the role of this variant in disease. Therefore, it has been classified as a Variant of Uncertain Significance. Algorithms developed to predict the effect of missense changes on protein structure and function are either unavailable or do not agree on the potential impact of this missense change (SIFT: "Deleterious"; PolyPhen-2: "Probably Damaging"; Align-GVGD: "Class C0"). ClinVar contains an entry for this variant (Variation ID: 1403369). This variant has not been reported in the literature in individuals affected with COL12A1-related conditions. This variant is not present in population databases (gnomAD no frequency). This sequence change replaces lysine, which is basic and polar, with asparagine, which is neutral and polar, at codon 421 of the COL12A1 protein (p.Lys421Asn).